The following is an entry in ClinVar:

ClinVar aggregate classification (germline): Uncertain significance. Review status: criteria provided, single submitter (1 of 4 stars). 2 submissions from 2 submitters: Uncertain significance (1). 1 of the submissions does not count toward it. Last evaluated 2022-08-16.

Conditions:
Glycogen storage disease type III (GSD3). Also called: Cori disease; FORBES DISEASE. Identifiers: Orphanet 366, MedGen C0017922, MONDO:0009291, OMIM 232400.

Allele frequency attached by ClinVar (database versions not stated): ExAC 0.00001; gnomAD 0.00002; gnomAD exomes 0.00002 and 0.00004; TOPMed 0.00004.

Submissions (2):

Labcorp Genetics (formerly Invitae), Labcorp
Classification: Uncertain significance for Glycogen storage disease type III. Last evaluated: 2022-08-16. Review status: criteria provided, single submitter. Criteria: Invitae Variant Classification Sherloc (09022015). Collection method: clinical testing. Allele origin: germline.
Comment: This sequence change replaces methionine, which is neutral and non-polar, with isoleucine, which is neutral and non-polar, at codon 1182 of the AGL protein (p.Met1182Ile). This variant is present in population databases (rs758562610, gnomAD 0.005%). This variant has not been reported in the literature in individuals affected with AGL-related conditions. ClinVar contains an entry for this variant (Variation ID: 646913). Algorithms developed to predict the effect of missense changes on protein structure and function (SIFT, PolyPhen-2, Align-GVGD) all suggest that this variant is likely to be tolerated. In summary, the available evidence is currently insufficient to determine the role of this variant in disease. Therefore, it has been classified as a Variant of Uncertain Significance.

Natera, Inc.
Classification: Uncertain significance for Glycogen storage disease type III. Last evaluated: 2020-09-16. Review status: no assertion criteria provided. Collection method: clinical testing. Allele origin: germline. Not counted in ClinVar's aggregate classification.

NM_000642.3(AGL):c.3546G>T (p.Met1182Ile)

Gene: AGL (amylo-alpha-1,6-glucosidase and 4-alpha-glucanotransferase; plus strand). Cytogenetic location: 1p21.2.
Variant type: single nucleotide variant.
Coding change: c.3546G>T on transcript NM_000642.3 (MANE Select); coding-DNA position 3546, G replaced by T.
Protein change: p.Met1182Ile; replaces methionine 1182 with isoleucine.
Molecular consequence: missense variant.
Genome position (GRCh38, 1-based): chr1:99,900,819, G>T. VCF-style: chr1-99900819-G-T. GRCh37 (hg19) VCF-style: chr1-100366375-G-T.
Other names: c.3546G>T, p.Met1182Ile (NM_000028.3, NM_000643.3, NM_000644.3 and 1 more transcripts); c.3498G>T, p.Met1166Ile (NM_000646.3); c.3525G>T, p.Met1175Ile (NM_001425326.1); c.3345G>T, p.Met1115Ile (NM_001425327.1); c.3342G>T, p.Met1114Ile (NM_001425328.1); c.3207G>T, p.Met1069Ile (NM_001425329.1); c.3168G>T, p.Met1056Ile (NM_001425332.1); short protein forms M1182I, M1166I, M1056I, M1069I, M1114I, M1115I, M1175I.
Identifiers: ClinVar variation 646913 (VCV000646913.7), dbSNP rs758562610, ClinGen allele CA967094.